The following is an entry in ClinVar:

ClinVar aggregate classification (germline): Uncertain significance. Review status: criteria provided, multiple submitters, no conflicts (2 of 4 stars). 2 submissions from 2 submitters: Uncertain significance (2). Last evaluated 2025-02-26.

Conditions:
Cardiovascular phenotype. Identifiers: MedGen CN230736.

Allele frequency attached by ClinVar (database versions not stated): gnomAD exomes 0.00001; TOPMed 0.00001.
gnomAD v4.1: 4 of 1,549,960 alleles (0.00026%); highest among the groups gnomAD compares: Non-Finnish European, 0.00035%; no homozygotes.

Submissions (2):

GeneDx
Classification: Uncertain significance. Last evaluated: 2025-02-26. Review status: criteria provided, single submitter. Criteria: GeneDx Variant Classification Process June 2021. Collection method: clinical testing. Allele origin: germline. Affected: yes.
Comment: Has not been previously published as pathogenic or benign to our knowledge; Not observed at significant frequency in large population cohorts (gnomAD); In silico analysis indicates that this missense variant does not alter protein structure/function

Ambry Genetics
Classification: Uncertain significance for Cardiovascular phenotype. Last evaluated: 2022-11-04. Review status: criteria provided, single submitter. Criteria: Ambry Variant Classification Scheme 2023. Collection method: clinical testing. Allele origin: germline.
Comment: The p.P402A variant (also known as c.1204C>G), located in coding exon 1 of the ZNF469 gene, results from a C to G substitution at nucleotide position 1204. The proline at codon 402 is replaced by alanine, an amino acid with highly similar properties. This amino acid position is not well conserved in available vertebrate species, and alanine is the reference amino acid in other vertebrate species. In addition, this alteration is predicted to be tolerated by in silico analysis. Since supporting evidence is limited at this time, the clinical significance of this alteration remains unclear.

NM_001367624.2(ZNF469):c.1204C>G (p.Pro402Ala)

Gene: ZNF469 (zinc finger protein 469; plus strand). Cytogenetic location: 16q24.2.
Variant type: single nucleotide variant.
Coding change: c.1204C>G on transcript NM_001367624.2 (MANE Select); coding-DNA position 1204, C replaced by G.
Protein change: p.Pro402Ala; replaces proline 402 with alanine.
Molecular consequence: missense variant.
Genome position (GRCh38, 1-based): chr16:88,428,674, C>G. VCF-style: chr16-88428674-C-G. GRCh37 (hg19) VCF-style: chr16-88495082-C-G.
Other names: NM_001127464.1:c.1204C>G; short protein forms P402A.
Identifiers: ClinVar variation 1695796 (VCV001695796.6), dbSNP rs1204157035, ClinGen allele CA397063710.